The following is an entry in ClinVar:

ClinVar aggregate classification (germline): Uncertain significance (1 of 4 stars; one submission).

Submission:

GeneDx
Classification: Uncertain significance. Last evaluated: 2024-05-07. Review status: criteria provided, single submitter. Criteria: GeneDx Variant Classification Process June 2021. Collection method: clinical testing. Allele origin: germline. Affected: yes.
Comment: Has not been previously published as pathogenic or benign to our knowledge; Not observed at significant frequency in large population cohorts (gnomAD); In silico analysis indicates that this missense variant does not alter protein structure/function

NM_030665.4(RAI1):c.4570A>C (p.Lys1524Gln)

Gene: RAI1 (retinoic acid induced 1; plus strand). Cytogenetic location: 17p11.2.
Variant type: single nucleotide variant.
Coding change: c.4570A>C on transcript NM_030665.4 (MANE Select); coding-DNA position 4570, A replaced by C.
Protein change: p.Lys1524Gln; replaces lysine 1524 with glutamine.
Molecular consequence: missense variant.
Genome position (GRCh38, 1-based): chr17:17,797,518, A>C. VCF-style: chr17-17797518-A-C. GRCh37 (hg19) VCF-style: chr17-17700832-A-C.
Other names: short protein forms K1524Q.
Identifiers: ClinVar variation 3375591 (VCV003375591.1).